The following is an entry in ClinVar:

ClinVar aggregate classification (germline): Uncertain significance. Review status: criteria provided, multiple submitters, no conflicts (2 of 4 stars). 4 submissions from 4 submitters: Uncertain significance (4). Last evaluated 2026-01-12.

Conditions:
Hyperproinsulinemia. Identifiers: MedGen C0342283, MONDO:0014535, OMIM 616214.
Type 1 diabetes mellitus 2. Identifiers: MedGen C1852092, MONDO:0007454, OMIM 125852.
Maturity-onset diabetes of the young type 10. Identifiers: Orphanet 552, MedGen C3150617, MONDO:0013240, OMIM 613370.
Diabetes mellitus, permanent neonatal 4. Also called: INS-Related Permanent Neonatal Diabetes Mellitus. Identifiers: MedGen C5394307, MONDO:0030089, OMIM 618858.
INS-related disorder. Also called: INS-related condition.

Submissions (4):

Labcorp Genetics (formerly Invitae), Labcorp
Classification: Uncertain significance. Last evaluated: 2026-01-12. Review status: criteria provided, single submitter. Criteria: Invitae Variant Classification Sherloc (09022015). Collection method: clinical testing. Allele origin: germline.
Comment: This variant occurs in a non-coding region of the INS gene. It does not change the encoded amino acid sequence of the INS protein. This variant is present in population databases (no rsID available, gnomAD 0.01%). This variant has not been reported in the literature in individuals affected with INS-related conditions. ClinVar contains an entry for this variant (Variation ID: 2634300). Experimental studies and prediction algorithms are not available or were not evaluated, and the functional significance of this variant is currently unknown. In summary, the available evidence is currently insufficient to determine the role of this variant in disease. Therefore, it has been classified as a Variant of Uncertain Significance.

Fulgent Genetics
Classification: Uncertain significance for Type 1 diabetes mellitus 2; Maturity-onset diabetes of the young type 10; Hyperproinsulinemia; Diabetes mellitus, permanent neonatal 4. Last evaluated: 2024-06-18. Review status: criteria provided, single submitter. Criteria: ACMG Guidelines, 2015. Collection method: clinical testing. Allele origin: germline.

GeneDx
Classification: Uncertain significance. Last evaluated: 2023-10-25. Review status: criteria provided, single submitter. Criteria: GeneDx Variant Classification Process June 2021. Collection method: clinical testing. Allele origin: germline. Affected: yes.
Comment: Nucleotide is not conserved across species and the substitution has no predicted effect on splicing; Has not been previously published as pathogenic or benign to our knowledge

PreventionGenetics, part of Exact Sciences
Classification: Uncertain significance for INS-related condition. Last evaluated: 2023-01-12. Review status: criteria provided, single submitter. Criteria: ACMG Guidelines, 2015. Collection method: clinical testing. Allele origin: germline.
Comment: The INS c.-152C>T variant is located in the 5' untranslated region. This variant can also be described as c.-331C>T. To our knowledge, it has not been reported in the literature. However, other variants at this location or nearby (e.g., c.-331C>A, c.-331C>G, c.-332C>G) have been reported as recessive, pathogenic variants for neonatal diabetes in multiple families due to insulin biosynthesis impairment (Garin et al. 2010. PubMed ID: 20133622; Bonnefond et al. 2011. PubMed ID: 21592955). Functional studies showed that these variants at c.-331C and c.-332C occur at a binding site of Kruppel-like transcription factor (KLF); this change causes a failure of binding Kruppel-like transcription factor 11 (KLF11) and hence inhibits KLF11-mediated INS activation (Garin et al. 2010. PubMed ID: 20133622). The c.-152C>T (c.-331C>T) variant is reported in 0.012% of alleles in individuals of African descent in gnomAD. Although we suspect that this variant may be pathogenic, at this time, the clinical significance of this variant is uncertain due to the absence of conclusive functional and genetic evidence.

NM_000207.3(INS):c.-152C>T

Gene: INS (insulin; minus strand). Cytogenetic location: 11p15.5.
Variant type: single nucleotide variant.
Coding change: c.-152C>T on transcript NM_000207.3 (MANE Select); 152 bases upstream of the start codon, C replaced by T.
Genome position (GRCh38, 1-based): chr11:2,161,302, G>A on the plus strand (C>T on the coding strand, the complement: INS is on the minus strand). VCF-style: chr11-2161302-G-A. GRCh37 (hg19) VCF-style: chr11-2182532-G-A.
Identifiers: ClinVar variation 2634300 (VCV002634300.4), dbSNP rs748749585, ClinGen allele CA216276950.